The following is an entry in ClinVar:

ClinVar aggregate classification (germline): Uncertain significance (1 of 4 stars; one submission).

Submission:

GeneDx
Classification: Uncertain significance. Last evaluated: 2026-03-07. Review status: criteria provided, single submitter. Criteria: GeneDx Variant Classification Process June 2021. Collection method: clinical testing. Allele origin: germline.
Comment: Not observed at significant frequency in large population cohorts (gnomAD); In silico analysis supports that this missense variant has a deleterious effect on protein structure/function; In silico analysis supports a deleterious effect on splicing; Has not been previously published as pathogenic or benign to our knowledge

NM_001148.6(ANK2):c.1191T>A (p.Asn397Lys)

Gene: ANK2 (ankyrin 2; plus strand). Cytogenetic location: 4q26.
Variant type: single nucleotide variant.
Coding change: c.1191T>A on transcript NM_001148.6 (MANE Select); coding-DNA position 1191, T replaced by A.
Protein change: p.Asn397Lys; replaces asparagine 397 with lysine.
Molecular consequence: missense variant. On other transcripts: intron variant (5).
Genome position (GRCh38, 1-based): chr4:113,258,052, T>A. VCF-style: chr4-113258052-T-A. GRCh37 (hg19) VCF-style: chr4-114179208-T-A.
Other names: c.1128T>A, p.Asn376Lys (NM_001127493.3, NM_001354239.2, NM_001354243.2 and 14 more transcripts); c.1191T>A, p.Asn397Lys (NM_001354225.2, NM_001354228.2, NM_001354232.2 and 8 more transcripts); c.1236T>A, p.Asn412Lys (NM_001354230.2, NM_001354231.2, NM_001354237.2 and 5 more transcripts); c.1104T>A, p.Asn368Lys (NM_001354249.2, NM_001354260.2, NM_001354264.2 and 13 more transcripts); c.1149T>A, p.Asn383Lys (NM_001354261.2, NM_001386147.1, NM_001386160.1); c.1179T>A, p.Asn393Lys (NM_001386148.2, NM_001386186.2); c.1242T>A, p.Asn414Lys (NM_001386174.1); c.1218T>A, p.Asn406Lys (NM_001386175.1); and 4 more; short protein forms N406K, N393K, N368K, N376K, N383K, N385K, N397K, N412K.
Identifiers: ClinVar variation 5007954 (VCV005007954.1).